The following is an entry in ClinVar:

NM_000026.4(ADSL):c.1010+45C>G

Gene: ADSL (adenylosuccinate lyase; plus strand). Cytogenetic location: 22q13.1.
Variant type: single nucleotide variant.
Coding change: c.1010+45C>G on transcript NM_000026.4 (MANE Select); 45 bases into the intron after coding-DNA position 1010, C replaced by G.
Molecular consequence: intron variant.
Genome position (GRCh38, 1-based): chr22:40,361,680, C>G. VCF-style: chr22-40361680-C-G. GRCh37 (hg19) VCF-style: chr22-40757684-C-G.
Other names: NC_000022.10:g.40757684C>G; c.1010+45C>G (NM_001363840.3, NM_001123378.3); c.818+45C>G (NM_001317923.2).
Identifiers: ClinVar variation 676032 (VCV000676032.3), dbSNP rs11913275, ClinGen allele CA10247875.

ClinVar aggregate classification (germline): Likely benign. Review status: criteria provided, multiple submitters, no conflicts (2 of 4 stars). 2 submissions from 2 submitters: Likely benign (2). Last evaluated 2018-06-14.

Allele frequency attached by ClinVar (database versions not stated): gnomAD exomes 0.00118 and 0.00318; ExAC 0.00374; gnomAD 0.01211 and 0.01284; TOPMed 0.01397; ESP Exome Variant Server 0.01422; 1000 Genomes Project 0.01498; 1000 Genomes Project 30x 0.01733.
gnomAD v4.1: 3,634 of 1,603,792 alleles (0.23%); highest among the groups gnomAD compares: African/African-American, 4.2%; 66 homozygotes.

Submissions (26):

GeneDx
Classification: Likely benign. Last evaluated: 2018-06-14. Review status: criteria provided, single submitter. Criteria: GeneDx Variant Classification (06012015). Collection method: clinical testing. Allele origin: germline. Affected: yes.
Comment: This variant is considered likely benign or benign based on one or more of the following criteria: it is a conservative change, it occurs at a poorly conserved position in the protein, it is predicted to be benign by multiple in silico algorithms, and/or has population frequency not consistent with disease.

Breakthrough Genomics
Classification: Likely benign. Review status: criteria provided, single submitter. Criteria: ACMG Guidelines, 2015. Collection method: not provided. Allele origin: germline. Inheritance: Autosomal recessive inheritance. Affected: yes.

Dr. Peter K. Rogan Lab, Western University
No classification provided (evidence only). Condition: Lung cancer. Review status: no classification provided. Collection method: in vitro. Allele origin: not applicable. Functional consequence: cryptic splice site, retained intron. Not counted in ClinVar's aggregate classification.

Dr. Peter K. Rogan Lab, Western University
No classification provided (evidence only). Condition: Lung cancer. Review status: no classification provided. Collection method: in vitro. Allele origin: not applicable. Functional consequence: cryptic splice site. Not counted in ClinVar's aggregate classification.

Dr. Peter K. Rogan Lab, Western University
No classification provided (evidence only). Condition: Lung cancer. Review status: no classification provided. Collection method: in vitro. Allele origin: not applicable. Functional consequence: cryptic splice site. Not counted in ClinVar's aggregate classification.

Dr. Peter K. Rogan Lab, Western University
No classification provided (evidence only). Condition: Lung cancer. Review status: no classification provided. Collection method: in vitro. Allele origin: not applicable. Functional consequence: cryptic splice site. Not counted in ClinVar's aggregate classification.

Dr. Peter K. Rogan Lab, Western University
No classification provided (evidence only). Condition: Acute myeloid leukemia. Review status: no classification provided. Collection method: in vitro. Allele origin: not applicable. Functional consequence: retained intron. Not counted in ClinVar's aggregate classification.

Dr. Peter K. Rogan Lab, Western University
No classification provided (evidence only). Condition: Uterine corpus endometrial carcinoma. Review status: no classification provided. Collection method: in vitro. Allele origin: not applicable. Functional consequence: cryptic splice site, retained intron. Not counted in ClinVar's aggregate classification.

Dr. Peter K. Rogan Lab, Western University
No classification provided (evidence only). Condition: Uterine corpus endometrial carcinoma. Review status: no classification provided. Collection method: in vitro. Allele origin: not applicable. Functional consequence: cryptic splice site, retained intron. Not counted in ClinVar's aggregate classification.

Dr. Peter K. Rogan Lab, Western University
No classification provided (evidence only). Condition: Uterine corpus endometrial carcinoma. Review status: no classification provided. Collection method: in vitro. Allele origin: not applicable. Functional consequence: cryptic splice site. Not counted in ClinVar's aggregate classification.

Dr. Peter K. Rogan Lab, Western University
No classification provided (evidence only). Condition: Uterine corpus endometrial carcinoma. Review status: no classification provided. Collection method: in vitro. Allele origin: not applicable. Functional consequence: cryptic splice site, retained intron. Not counted in ClinVar's aggregate classification.

Dr. Peter K. Rogan Lab, Western University
No classification provided (evidence only). Condition: Sarcoma. Review status: no classification provided. Collection method: in vitro. Allele origin: not applicable. Functional consequence: cryptic splice site. Not counted in ClinVar's aggregate classification.

Dr. Peter K. Rogan Lab, Western University
No classification provided (evidence only). Condition: Thymoma. Review status: no classification provided. Collection method: in vitro. Allele origin: not applicable. Functional consequence: cryptic splice site. Not counted in ClinVar's aggregate classification.

Dr. Peter K. Rogan Lab, Western University
No classification provided (evidence only). Condition: Ovarian serous cystadenocarcinoma. Review status: no classification provided. Collection method: in vitro. Allele origin: not applicable. Functional consequence: retained intron. Not counted in ClinVar's aggregate classification.

Dr. Peter K. Rogan Lab, Western University
No classification provided (evidence only). Condition: Ovarian serous cystadenocarcinoma. Review status: no classification provided. Collection method: in vitro. Allele origin: not applicable. Functional consequence: retained intron. Not counted in ClinVar's aggregate classification.

Dr. Peter K. Rogan Lab, Western University
No classification provided (evidence only). Condition: Ovarian serous cystadenocarcinoma. Review status: no classification provided. Collection method: in vitro. Allele origin: not applicable. Functional consequence: retained intron. Not counted in ClinVar's aggregate classification.

Dr. Peter K. Rogan Lab, Western University
No classification provided (evidence only). Condition: Ovarian serous cystadenocarcinoma. Review status: no classification provided. Collection method: in vitro. Allele origin: not applicable. Functional consequence: retained intron. Not counted in ClinVar's aggregate classification.

Dr. Peter K. Rogan Lab, Western University
No classification provided (evidence only). Condition: Ovarian serous cystadenocarcinoma. Review status: no classification provided. Collection method: in vitro. Allele origin: not applicable. Functional consequence: retained intron. Not counted in ClinVar's aggregate classification.

Dr. Peter K. Rogan Lab, Western University
No classification provided (evidence only). Condition: Ovarian serous cystadenocarcinoma. Review status: no classification provided. Collection method: in vitro. Allele origin: not applicable. Functional consequence: retained intron. Not counted in ClinVar's aggregate classification.

Dr. Peter K. Rogan Lab, Western University
No classification provided (evidence only). Condition: Ovarian serous cystadenocarcinoma. Review status: no classification provided. Collection method: in vitro. Allele origin: not applicable. Functional consequence: cryptic splice site. Not counted in ClinVar's aggregate classification.

Dr. Peter K. Rogan Lab, Western University
No classification provided (evidence only). Condition: Ovarian serous cystadenocarcinoma. Review status: no classification provided. Collection method: in vitro. Allele origin: not applicable. Functional consequence: cryptic splice site. Not counted in ClinVar's aggregate classification.

Dr. Peter K. Rogan Lab, Western University
No classification provided (evidence only). Condition: Ovarian serous cystadenocarcinoma. Review status: no classification provided. Collection method: in vitro. Allele origin: not applicable. Functional consequence: retained intron. Not counted in ClinVar's aggregate classification.

Dr. Peter K. Rogan Lab, Western University
No classification provided (evidence only). Condition: Ovarian serous cystadenocarcinoma. Review status: no classification provided. Collection method: in vitro. Allele origin: not applicable. Functional consequence: retained intron. Not counted in ClinVar's aggregate classification.

Dr. Peter K. Rogan Lab, Western University
No classification provided (evidence only). Condition: Ovarian serous cystadenocarcinoma. Review status: no classification provided. Collection method: in vitro. Allele origin: not applicable. Functional consequence: retained intron. Not counted in ClinVar's aggregate classification.

Dr. Peter K. Rogan Lab, Western University
No classification provided (evidence only). Condition: Gastric cancer. Review status: no classification provided. Collection method: in vitro. Allele origin: not applicable. Functional consequence: cryptic splice site. Not counted in ClinVar's aggregate classification.

Dr. Peter K. Rogan Lab, Western University
No classification provided (evidence only). Condition: Uterine carcinosarcoma. Review status: no classification provided. Collection method: in vitro. Allele origin: not applicable. Functional consequence: cryptic splice site, retained intron. Not counted in ClinVar's aggregate classification.